The following is an entry in ClinVar:

ClinVar aggregate classification (germline): Uncertain significance (1 of 4 stars; one submission).

Conditions:
Charcot-Marie-Tooth disease type 2. Also called: Charcot-Marie-Tooth type 2. Identifiers: Orphanet 64746, MedGen C0270914, MONDO:0018993.

Allele frequency attached by ClinVar (database versions not stated): gnomAD 0.00001; ExAC 0.00002; gnomAD exomes 0.00004 and 0.00001; TOPMed 0.00002.
gnomAD v4.1: 14 of 1,614,078 alleles (0.00087%); highest among the groups gnomAD compares: Admixed American, 0.013%; no homozygotes.

Submission:

Labcorp Genetics (formerly Invitae), Labcorp
Classification: Uncertain significance for Charcot-Marie-Tooth disease type 2. Last evaluated: 2026-01-08. Review status: criteria provided, single submitter. Criteria: Invitae Variant Classification Sherloc (09022015). Collection method: clinical testing. Allele origin: germline.
Comment: This sequence change replaces arginine, which is basic and polar, with glutamine, which is neutral and polar, at codon 275 of the BSCL2 protein (p.Arg275Gln). This variant is present in population databases (rs757850010, gnomAD 0.02%). This variant has not been reported in the literature in individuals affected with BSCL2-related conditions. ClinVar contains an entry for this variant (Variation ID: 1024598). Invitae Evidence Modeling of protein sequence and biophysical properties (such as structural, functional, and spatial information, amino acid conservation, physicochemical variation, residue mobility, and thermodynamic stability) indicates that this missense variant is not expected to disrupt BSCL2 protein function with a negative predictive value of 80%. In summary, the available evidence is currently insufficient to determine the role of this variant in disease. Therefore, it has been classified as a Variant of Uncertain Significance.

NM_001122955.4(BSCL2):c.1016G>A (p.Arg339Gln)

Genes: BSCL2 (BSCL2 lipid droplet biogenesis associated, seipin; minus strand), HNRNPUL2-BSCL2 (HNRNPUL2-BSCL2 readthrough (NMD candidate); minus strand). Cytogenetic location: 11q12.3.
Variant type: single nucleotide variant.
Coding change: c.1016G>A on transcript NM_001122955.4 (MANE Select); coding-DNA position 1016, G replaced by A.
Protein change: p.Arg339Gln; replaces arginine 339 with glutamine.
Molecular consequence: missense variant. On other transcripts: non-coding transcript variant (1).
Genome position (GRCh38, 1-based): chr11:62,691,131, C>T on the plus strand (G>A on the coding strand, the complement: BSCL2 is on the minus strand). VCF-style: chr11-62691131-C-T. GRCh37 (hg19) VCF-style: chr11-62458603-C-T.
Other names: c.682G>A, p.Glu228Lys (NM_001130702.2); c.1016G>A, p.Arg339Gln (NM_001386027.1, NM_001386028.1); c.824G>A, p.Arg275Gln (NM_032667.6); short protein forms E228K, R275Q, R339Q.
Identifiers: ClinVar variation 1024598 (VCV001024598.6), dbSNP rs757850010, ClinGen allele CA6053361.